The following is an entry in ClinVar:

ClinVar aggregate classification (germline): Pathogenic (1 of 4 stars; one submission).

Submission:

GeneDx
Classification: Pathogenic. Last evaluated: 2024-04-04. Review status: criteria provided, single submitter. Criteria: GeneDx Variant Classification Process June 2021. Collection method: clinical testing. Allele origin: germline. Affected: yes.
Comment: Frameshift variant predicted to result in protein truncation or nonsense mediated decay in a gene for which loss of function is a known mechanism of disease; Not observed at significant frequency in large population cohorts (gnomAD); This variant is associated with the following publications: (PMID: 26633542)

NM_002547.3(OPHN1):c.226_227del (p.Leu76fs)

Gene: OPHN1 (oligophrenin 1; minus strand). Cytogenetic location: Xq12.
Variant type: Microsatellite.
Coding change: c.226_227del on transcript NM_002547.3 (MANE Select); coding-DNA positions 226 to 227, 2 bases deleted (CT; older notation c.226_227delCT).
Protein change: p.Leu76fs; shifts the reading frame from leucine 76.
Molecular consequence: frameshift variant.
Genome position (GRCh38, 1-based): chrX:68,299,024-68,299,025, AG deleted on the plus strand (CT on the coding strand, the reverse complement: OPHN1 is on the minus strand); deleting any 2 consecutive bases within chrX:68,299,024-68,299,027 gives the same sequence; the c. name uses the placement nearest the transcript's 3' end. VCF-style (leftmost placement, unchanged base first): chrX-68299023-CAG-C. GRCh37 (hg19) VCF-style: chrX-67518865-CAG-C.
Other names: short protein forms L76fs.
Identifiers: ClinVar variation 3361523 (VCV003361523.1).
Genomic context (GRCh38, chrX:68,299,023, plus strand): 5'-CTCAACAGGTATATGACCACATGTAGCTGAAGACTTACCGATGTTAATTTCATCATCAGT[CAG>C]AGTGTCTCCAATGAAATCAAACTGAAATGACTGCAGCGTCTGGGAAAATTTCTGAACAGC-3'